The following is an entry in ClinVar:

NM_004656.4(BAP1):c.1928T>C (p.Ile643Thr)

Gene: BAP1 (BRCA1 associated deubiquitinase 1; minus strand). Cytogenetic location: 3p21.1.
Variant type: single nucleotide variant.
Coding change: c.1928T>C on transcript NM_004656.4 (MANE Select); coding-DNA position 1928, T replaced by C.
Protein change: p.Ile643Thr; replaces isoleucine 643 with threonine.
Molecular consequence: missense variant.
Genome position (GRCh38, 1-based): chr3:52,402,834, A>G on the plus strand (T>C on the coding strand, the complement: BAP1 is on the minus strand). VCF-style: chr3-52402834-A-G. GRCh37 (hg19) VCF-style: chr3-52436850-A-G.
Other names: short protein forms I643T.
Identifiers: ClinVar variation 490825 (VCV000490825.19), dbSNP rs376519545, ClinGen allele CA74740103.

ClinVar aggregate classification (germline): Conflicting classifications of pathogenicity. Review status: criteria provided, conflicting classifications (1 of 4 stars). 6 submissions from 6 submitters: Uncertain significance (4); Likely benign (1). 1 of the submissions does not count toward it. Last evaluated 2025-08-08.

Conditions:
BAP1-related tumor predisposition syndrome (TPDS1). Also called: Tumor susceptibility linked to germline BAP1 mutations; BAP1 tumor predisposition syndrome; COMMON Syndrome; TUMOR PREDISPOSITION SYNDROME 1. Identifiers: Orphanet 289539, MedGen C3280492, MONDO:0013692, OMIM 614327.
Hereditary cancer-predisposing syndrome. Also called: Hereditary Cancer Syndrome; Neoplastic Syndromes, Hereditary; Tumor predisposition; Hereditary neoplastic syndrome. Identifiers: Orphanet 140162, MedGen C0027672, MeSH D009386, MONDO:0015356.
BAP1-related disorder. Also called: BAP1-related condition.

Allele frequency attached by ClinVar (database versions not stated): TOPMed 0.00001; ESP Exome Variant Server 0.00008.
gnomAD v4.1: 1 of 1,614,048 alleles (0.000062%); no homozygotes.

Submissions (6):

Ambry Genetics
Classification: Likely benign for Hereditary cancer-predisposing syndrome. Last evaluated: 2025-08-08. Review status: criteria provided, single submitter. Criteria: Ambry Variant Classification Scheme 2023. Collection method: clinical testing. Allele origin: germline.

Labcorp Genetics (formerly Invitae), Labcorp
Classification: Uncertain significance for BAP1-related tumor predisposition syndrome. Last evaluated: 2024-06-17. Review status: criteria provided, single submitter. Criteria: Invitae Variant Classification Sherloc (09022015). Collection method: clinical testing. Allele origin: germline.
Comment: This sequence change replaces isoleucine, which is neutral and non-polar, with threonine, which is neutral and polar, at codon 643 of the BAP1 protein (p.Ile643Thr). This variant is not present in population databases (gnomAD no frequency). This missense change has been observed in individual(s) with multiple primary cutaneous melanomas (PMID: 31382929). ClinVar contains an entry for this variant (Variation ID: 490825). Advanced modeling of protein sequence and biophysical properties (such as structural, functional, and spatial information, amino acid conservation, physicochemical variation, residue mobility, and thermodynamic stability) performed at Invitae indicates that this missense variant is expected to disrupt BAP1 protein function with a positive predictive value of 80%. In summary, the available evidence is currently insufficient to determine the role of this variant in disease. Therefore, it has been classified as a Variant of Uncertain Significance.

Baylor Genetics
Classification: Uncertain significance for BAP1-related tumor predisposition syndrome. Last evaluated: 2023-11-19. Review status: criteria provided, single submitter. Criteria: ACMG Guidelines, 2015. Collection method: clinical testing. Allele origin: unknown.

GeneDx
Classification: Uncertain significance. Last evaluated: 2023-11-14. Review status: criteria provided, single submitter. Criteria: GeneDx Variant Classification Process June 2021. Collection method: clinical testing. Allele origin: germline. Affected: yes.
Comment: Not observed at significant frequency in large population cohorts (gnomAD); In silico analysis supports that this missense variant has a deleterious effect on protein structure/function; Observed in individuals with cutaneous malignant melanoma; however, many individuals in the study were reported to harbor other pathogenic variants (PMID: 31382929); This variant is associated with the following publications: (PMID: 32028647, 31382929)

Color Diagnostics, LLC DBA Color Health
Classification: Uncertain significance for Hereditary cancer-predisposing syndrome. Last evaluated: 2020-09-29. Review status: criteria provided, single submitter. Criteria: ACMG Guidelines, 2015. Collection method: clinical testing. Allele origin: germline.
Comment: This missense variant replaces isoleucine with threonine at codon 643 of the BAP1 protein. Computational prediction suggests that this variant may not impact protein structure and function (internally defined REVEL score threshold <= 0.5, PMID: 27666373). To our knowledge, functional studies have not been reported for this variant. This variant has been reported in individuals affected with multiple primary melanomas (PMID: 31382929). This variant has not been identified in the general population by the Genome Aggregation Database (gnomAD). The available evidence is insufficient to determine the role of this variant in disease conclusively. Therefore, this variant is classified as a Variant of Uncertain Significance.

PreventionGenetics, part of Exact Sciences
Classification: Uncertain significance for BAP1-related condition. Last evaluated: 2024-04-04. Review status: no assertion criteria provided. Collection method: clinical testing. Allele origin: germline. Not counted in ClinVar's aggregate classification.
Comment: The BAP1 c.1928T>C variant is predicted to result in the amino acid substitution p.Ile643Thr. This variant was reported in twenty one individuals with multiple primary melanomas, however all those patients were located in the same geographic region (southern Italy) and some patients carried also other potentially causative variants (Casula et al. 2019. PubMed ID: 31382929). This variant has not been reported in a large population database , indicating this variant is rare. At this time, the clinical significance of this variant is uncertain due to the absence of conclusive functional and genetic evidence.

Literature cited by the submitters: PubMed 31382929 (cited by Ambry Genetics and Labcorp Genetics (formerly Invitae), Labcorp); PubMed 38969833 (cited by Ambry Genetics).